The following is an entry in ClinVar:

ClinVar aggregate classification (germline): Uncertain significance (1 of 4 stars; one submission).

Conditions:
Hyperkalemic periodic paralysis. Also called: Familial hyperkalemic periodic paralysis; Gamstorp disease. Identifiers: Orphanet 682, MedGen C0238357, MONDO:0008224, OMIM 170500, HP:0007215.

Submission:

Labcorp Genetics (formerly Invitae), Labcorp
Classification: Uncertain significance for Hyperkalemic periodic paralysis. Last evaluated: 2021-09-14. Review status: criteria provided, single submitter. Criteria: Invitae Variant Classification Sherloc (09022015). Collection method: clinical testing. Allele origin: germline.
Comment: In summary, the available evidence is currently insufficient to determine the role of this variant in disease. Therefore, it has been classified as a Variant of Uncertain Significance. Algorithms developed to predict the effect of missense changes on protein structure and function are either unavailable or do not agree on the potential impact of this missense change (SIFT: "Deleterious"; PolyPhen-2: "Benign"; Align-GVGD: "Class C25"). This variant has not been reported in the literature in individuals affected with SCN4A-related conditions. This variant is present in population databases (rs776750130, ExAC 0.007%). This sequence change replaces isoleucine with valine at codon 1277 of the SCN4A protein (p.Ile1277Val). The isoleucine residue is highly conserved and there is a small physicochemical difference between isoleucine and valine.

NM_000334.4(SCN4A):c.3829A>G (p.Ile1277Val)

Genes: GH-LCR (growth hormone locus control region; plus strand), SCN4A (sodium voltage-gated channel alpha subunit 4; minus strand). Cytogenetic location: 17q23.3.
Variant type: single nucleotide variant.
Coding change: c.3829A>G on transcript NM_000334.4 (MANE Select); coding-DNA position 3829, A replaced by G.
Protein change: p.Ile1277Val; replaces isoleucine 1277 with valine.
Molecular consequence: missense variant.
Genome position (GRCh38, 1-based): chr17:63,944,756, T>C on the plus strand (A>G on the coding strand, the complement: SCN4A is on the minus strand). VCF-style: chr17-63944756-T-C. GRCh37 (hg19) VCF-style: chr17-62022116-T-C.
Other names: short protein forms I1277V.
Identifiers: ClinVar variation 1352817 (VCV001352817.6), dbSNP rs776750130, ClinGen allele CA8709132.